The following is an entry in ClinVar:

NM_002582.4(PARN):c.924A>C (p.Leu308Phe)

Gene: PARN (poly(A)-specific ribonuclease; minus strand). Cytogenetic location: 16p13.12.
Variant type: single nucleotide variant.
Coding change: c.924A>C on transcript NM_002582.4 (MANE Select); coding-DNA position 924, A replaced by C.
Protein change: p.Leu308Phe; replaces leucine 308 with phenylalanine.
Molecular consequence: missense variant.
Genome position (GRCh38, 1-based): chr16:14,586,356, T>G on the plus strand (A>C on the coding strand, the complement: PARN is on the minus strand). VCF-style: chr16-14586356-T-G. GRCh37 (hg19) VCF-style: chr16-14680213-T-G.
Other names: c.741A>C, p.Leu247Phe (NM_001134477.3); c.786A>C, p.Leu262Phe (NM_001242992.2); c.924A>C, p.Leu308Phe (LRG_1286t1); short protein forms L247F, L262F, L308F.
Identifiers: ClinVar variation 643824 (VCV000643824.10), dbSNP rs1336426171, ClinGen allele CA394803582.
Genomic context (GRCh38, chr16:14,586,356, plus strand): 5'-CAAATCCTCAAAGAAAGCTTACCTGGGGAAAACACATGTTGTCATCTCTTTAAACTCACT[T>G]AAGTCCTAAAGAACAAGAGAAGGACTTGTTACAATTTTCCTAATACACTCGCAGTATTAA-3'
Protein context (NP_002573.1, residues 298-318): HQFYCPLPAD[Leu308Phe]SEFKEMTTCV

ClinVar aggregate classification (germline): Uncertain significance. Review status: criteria provided, multiple submitters, no conflicts (2 of 4 stars). 2 submissions from 2 submitters: Uncertain significance (2). Last evaluated 2023-05-20.

Conditions:
Dyskeratosis congenita, autosomal recessive 6 (DKCB6). Identifiers: MedGen C4225356, MONDO:0014600, OMIM 616353.
Pulmonary fibrosis and/or bone marrow failure, Telomere-related, 4. Also called: PULMONARY FIBROSIS AND/OR BONE MARROW FAILURE SYNDROME, TELOMERE-RELATED, 4. Identifiers: Orphanet 2032, MedGen C4225347, MONDO:0014612, OMIM 616371.

gnomAD v4.1: 1 of 1,528,416 alleles (0.000065%); highest among the groups gnomAD compares: South Asian, 0.0012%; no homozygotes.

Submissions (2):

Neuberg Centre For Genomic Medicine, NCGM
Classification: Uncertain significance for Dyskeratosis congenita, autosomal recessive 6. Last evaluated: 2023-05-20. Review status: criteria provided, single submitter. Criteria: ACMG Guidelines, 2015. Collection method: clinical testing. Allele origin: germline. Inheritance: Autosomal recessive inheritance. Affected: yes.
Comment: The missense variant c.924A>C(p.Leu308Phe) in PARN gene has not been reported previously as a pathogenic variant nor as a benign variant, to our knowledge. The observed variant is absent in gnomAD exomes database. This variant has been submitted to the ClinVar database as Uncertain Significance. Multiple lines of computational evidence (Polyphen - possibly damaging , SIFT - tolerated and MutationTaster - disease causing) predicts conflicting evidence on protein structure and function for this variant. The amino acid change p.Leu308Phe in PARN is predicted as conserved by GERP++ and PhyloP across 100 vertebrates. The amino acid Leu at position 308 is changed to a Phe changing protein sequence and it might alter its composition and physico-chemical properties. For these reasons, this variant has been classified as Uncertain Significance (VUS).

Labcorp Genetics (formerly Invitae), Labcorp
Classification: Uncertain significance for Dyskeratosis congenita, autosomal recessive 6; Pulmonary fibrosis and/or bone marrow failure, Telomere-related, 4. Last evaluated: 2018-07-09. Review status: criteria provided, single submitter. Criteria: Invitae Variant Classification Sherloc (09022015). Collection method: clinical testing. Allele origin: germline.
Comment: This variant has not been reported in the literature in individuals with PARN-related disease. In summary, the available evidence is currently insufficient to determine the role of this variant in disease. Therefore, it has been classified as a Variant of Uncertain Significance. Algorithms developed to predict the effect of missense changes on protein structure and function (SIFT, PolyPhen-2, Align-GVGD) all suggest that this variant is likely to be tolerated, but these predictions have not been confirmed by published functional studies and their clinical significance is uncertain. This variant is not present in population databases (ExAC no frequency). This sequence change replaces leucine with phenylalanine at codon 308 of the PARN protein (p.Leu308Phe). The leucine residue is highly conserved and there is a small physicochemical difference between leucine and phenylalanine.